The following is an entry in ClinVar:

NM_018124.4(RFWD3):c.1762C>A (p.Leu588Met)

Gene: RFWD3 (ring finger and WD repeat domain 3; minus strand). Cytogenetic location: 16q23.1.
Variant type: single nucleotide variant.
Coding change: c.1762C>A on transcript NM_018124.4 (MANE Select); coding-DNA position 1762, C replaced by A.
Protein change: p.Leu588Met; replaces leucine 588 with methionine.
Molecular consequence: missense variant.
Genome position (GRCh38, 1-based): chr16:74,628,659, G>T on the plus strand (C>A on the coding strand, the complement: RFWD3 is on the minus strand). VCF-style: chr16-74628659-G-T. GRCh37 (hg19) VCF-style: chr16-74662557-G-T.
Other names: c.1762C>A, p.Leu588Met (NM_001370534.1, NM_001370535.1); c.1585C>A, p.Leu529Met (NM_001370536.1); c.928C>A, p.Leu310Met (NM_001370537.1, NM_001370539.1, NM_001370540.1 and 3 more transcripts); short protein forms L529M, L588M, L310M.
Identifiers: ClinVar variation 2871453 (VCV002871453.3), dbSNP rs942063508, ClinGen allele CA283741066.
Genomic context (GRCh38, chr16:74,628,659, plus strand): 5'-GCACCCCACCATATGGAAATGCAGCTGAGGCAGCTCTGGGCATGTATGACAGGGAGACCA[G>T]TGGGCATCTGAAAGGAAAGTAAGGAAACTGTATCTCACACTCCAAAACTCGGACGGCTCC-3'
Protein context (NP_060594.3, residues 578-598): ELVAQKARCP[Leu588Met]VSLSYMPRAA

ClinVar aggregate classification (germline): Uncertain significance (1 of 4 stars; one submission).

Allele frequency attached by ClinVar (database versions not stated): TOPMed below 0.00001; gnomAD 0.00001.

Submission:

Labcorp Genetics (formerly Invitae), Labcorp
Classification: Uncertain significance. Last evaluated: 2023-04-12. Review status: criteria provided, single submitter. Criteria: Invitae Variant Classification Sherloc (09022015). Collection method: clinical testing. Allele origin: germline.
Comment: This sequence change replaces leucine, which is neutral and non-polar, with methionine, which is neutral and non-polar, at codon 588 of the RFWD3 protein (p.Leu588Met). This variant is not present in population databases (gnomAD no frequency). This variant has not been reported in the literature in individuals affected with RFWD3-related conditions. An algorithm developed to predict the effect of missense changes on protein structure and function (PolyPhen-2) suggests that this variant is likely to be tolerated. In summary, the available evidence is currently insufficient to determine the role of this variant in disease. Therefore, it has been classified as a Variant of Uncertain Significance.